The following is an entry in ClinVar:

NM_012254.3(SLC27A5):c.321C>T (p.Cys107=)

Gene: SLC27A5 (solute carrier family 27 member 5; minus strand). Cytogenetic location: 19q13.43.
Variant type: single nucleotide variant.
Coding change: c.321C>T on transcript NM_012254.3 (MANE Select); coding-DNA position 321, C replaced by T.
Protein change: p.Cys107=; no amino-acid change (cysteine 107 retained).
Molecular consequence: synonymous variant.
Genome position (GRCh38, 1-based): chr19:58,511,635, G>A on the plus strand (C>T on the coding strand, the complement: SLC27A5 is on the minus strand). VCF-style: chr19-58511635-G-A. GRCh37 (hg19) VCF-style: chr19-59023002-G-A.
Other names: c.321C>T, p.Cys107= (NM_001321196.2).
Identifiers: ClinVar variation 3048988 (VCV003048988.2), dbSNP rs2053413550, ClinGen allele CA509537359.
Genomic context (GRCh38, chr19:58,511,635, plus strand): 5'-CTGCGCTCGTGCTCGCCGCTCGAAGGCATCTACAAAGGTGTCAGGCGGCTGCCGGCTCAA[G>A]CATCCCCTGATCTTCAGGCCCAGGTGGAGGATCTTGGCCAAGAAGATCACATCAGCCGGC-3'
Protein context (NP_036386.1, residues 97-117): ILHLGLKIRG[Cys107=]LSRQPPDTFV

ClinVar aggregate classification (germline): Likely benign (0 of 4 stars; one submission).

Conditions:
SLC27A5-related disorder. Also called: SLC27A5-related condition.

Allele frequency attached by ClinVar (database versions not stated): TOPMed below 0.00001.
gnomAD v4.1: 2 of 1,599,500 alleles (0.00013%); highest among the groups gnomAD compares: Admixed American, 0.0034%; no homozygotes.

Submission:

PreventionGenetics, part of Exact Sciences
Classification: Likely benign for SLC27A5-related condition. Last evaluated: 2023-08-03. Review status: no assertion criteria provided. Collection method: clinical testing. Allele origin: germline.
Comment: This variant is classified as likely benign based on ACMG/AMP sequence variant interpretation guidelines (Richards et al. 2015 PMID: 25741868, with internal and published modifications).